The following is an entry in ClinVar:

NM_001317778.2(SFTPC):c.413C>A (p.Thr138Asn)

Gene: SFTPC (surfactant protein C; plus strand). Cytogenetic location: 8p21.3.
Variant type: single nucleotide variant.
Coding change: c.413C>A on transcript NM_001317778.2 (MANE Select); coding-DNA position 413, C replaced by A.
Protein change: p.Thr138Asn; replaces threonine 138 with asparagine.
Molecular consequence: missense variant.
Genome position (GRCh38, 1-based): chr8:22,163,524, C>A. VCF-style: chr8-22163524-C-A. GRCh37 (hg19) VCF-style: chr8-22021037-C-A.
Other names: c.413C>A, p.Thr138Asn (NM_001172357.2, NM_001172410.2, NM_001317780.2 and 1 more transcripts); c.254C>A, p.Thr85Asn (NM_001317779.2); short protein forms T138N, T85N.
Identifiers: ClinVar variation 165210 (VCV000165210.24), dbSNP rs4715, ClinGen allele CA177956.

ClinVar aggregate classification (germline): Benign/Likely benign. Review status: criteria provided, multiple submitters, no conflicts (2 of 4 stars). 8 submissions from 8 submitters: Benign (7); Likely benign (1). Last evaluated 2026-02-04.

Conditions:
Hereditary pulmonary alveolar proteinosis. Also called: Pulmonary surfactant metabolism dysfunction. Identifiers: Orphanet 264675, MedGen C3711368, MONDO:0012580.
Surfactant metabolism dysfunction, pulmonary, 2 (SMDP2). Also called: PULMONARY ALVEOLAR PROTEINOSIS, CONGENITAL, 2; DESQUAMATIVE INTERSTITIAL PNEUMONITIS DUE TO SURFACTANT PROTEIN C DEFICIENCY; INTERSTITIAL LUNG DISEASE DUE TO SURFACTANT PROTEIN C DEFICIENCY. Identifiers: Orphanet 440392, MedGen C1970470, MONDO:0024465, OMIM 610913.

Allele frequency attached by ClinVar (database versions not stated): 1000 Genomes Project 30x 0.18973; 1000 Genomes Project 0.19748; TOPMed 0.20336; ESP Exome Variant Server 0.20677; gnomAD 0.20729 and 0.21061; gnomAD exomes 0.25177; ExAC 0.25228.
gnomAD v4.1: 412,118 of 1,610,828 alleles (26%); highest among the groups gnomAD compares: East Asian, 27%; 54,754 homozygotes.

Submissions (8):

Labcorp Genetics (formerly Invitae), Labcorp
Classification: Benign. Last evaluated: 2026-02-04. Review status: criteria provided, single submitter. Criteria: Invitae Variant Classification Sherloc (09022015). Collection method: clinical testing. Allele origin: germline.

Mayo Clinic Laboratories, Mayo Clinic
Classification: Benign. Last evaluated: 2025-08-13. Review status: criteria provided, single submitter. Criteria: ACMG Guidelines, 2015. Collection method: clinical testing. Allele origin: germline. Observed: 6 variant alleles.
Comment: BA1

Blueprint Genetics
Classification: Benign. Last evaluated: 2024-11-27. Review status: criteria provided, single submitter. Criteria: ACMG Guidelines, 2015. Collection method: clinical testing. Allele origin: germline.

GeneDx
Classification: Benign. Last evaluated: 2018-07-09. Review status: criteria provided, single submitter. Criteria: GeneDx Variant Classification Process June 2021. Collection method: clinical testing. Allele origin: germline. Affected: yes.
Comment: This variant is associated with the following publications: (PMID: 14735158)

Illumina Laboratory Services, Illumina
Classification: Benign for Surfactant metabolism dysfunction, pulmonary, 2. Last evaluated: 2018-03-06. Review status: criteria provided, single submitter. Criteria: ICSL Variant Classification Criteria 13 December 2019. Collection method: clinical testing. Allele origin: germline.
Comment: This variant was observed in the ICSL laboratory as part of a predisposition screen in an ostensibly healthy population. It had not been previously curated by ICSL or reported in the Human Gene Mutation Database (HGMD: prior to June 1st, 2018), and was therefore a candidate for classification through an automated scoring system. Utilizing variant allele frequency, disease prevalence and penetrance estimates, and inheritance mode, an automated score was calculated to assess if this variant is too frequent to cause the disease. Based on the score and internal cut-off values, a variant classified as benign is not then subjected to further curation. The score for this variant resulted in a classification of benign for this disease.

Ambry Genetics
Classification: Benign for Hereditary pulmonary alveolar proteinosis. Last evaluated: 2015-10-26. Review status: criteria provided, single submitter. Criteria: Ambry Variant Classification Scheme 2023. Collection method: clinical testing. Allele origin: germline.

Laboratory for Molecular Medicine, Mass General Brigham Personalized Medicine
Classification: Benign. Last evaluated: 2013-06-11. Review status: criteria provided, single submitter. Criteria: LMM Criteria. Collection method: clinical testing. Allele origin: germline. Observed: 64 variant alleles.

Breakthrough Genomics
Classification: Likely benign. Review status: criteria provided, single submitter. Criteria: ACMG Guidelines, 2015. Collection method: not provided. Allele origin: germline. Inheritance: Autosomal dominant inheritance. Affected: yes.